The following is an entry in ClinVar:

ClinVar aggregate classification (germline): Uncertain significance (1 of 4 stars; one submission).

gnomAD v4.1: 2 of 1,598,348 alleles (0.00013%); highest among the groups gnomAD compares: Non-Finnish European, 0.00017%; no homozygotes.

Submission:

Labcorp Genetics (formerly Invitae), Labcorp
Classification: Uncertain significance. Last evaluated: 2021-07-18. Review status: criteria provided, single submitter. Criteria: Invitae Variant Classification Sherloc (09022015). Collection method: clinical testing. Allele origin: germline.
Comment: This variant is not present in population databases (ExAC no frequency). This sequence change replaces arginine with leucine at codon 181 of the MIPEP protein (p.Arg181Leu). The arginine residue is highly conserved and there is a moderate physicochemical difference between arginine and leucine. This variant has not been reported in the literature in individuals affected with MIPEP-related conditions. In summary, the available evidence is currently insufficient to determine the role of this variant in disease. Therefore, it has been classified as a Variant of Uncertain Significance. Algorithms developed to predict the effect of missense changes on protein structure and function are either unavailable or do not agree on the potential impact of this missense change (SIFT: "Deleterious"; PolyPhen-2: "Benign"; Align-GVGD: "Class C25").

NM_005932.4(MIPEP):c.542G>T (p.Arg181Leu)

Gene: MIPEP (mitochondrial intermediate peptidase; minus strand). Cytogenetic location: 13q12.12.
Variant type: single nucleotide variant.
Coding change: c.542G>T on transcript NM_005932.4 (MANE Select); coding-DNA position 542, G replaced by T.
Protein change: p.Arg181Leu; replaces arginine 181 with leucine.
Molecular consequence: missense variant.
Genome position (GRCh38, 1-based): chr13:23,874,907, C>A on the plus strand (G>T on the coding strand, the complement: MIPEP is on the minus strand). VCF-style: chr13-23874907-C-A. GRCh37 (hg19) VCF-style: chr13-24449046-C-A.
Other names: short protein forms R181L.
Identifiers: ClinVar variation 1519056 (VCV001519056.8), dbSNP rs201343071, ClinGen allele CA387529861.